The following is an entry in ClinVar:

ClinVar aggregate classification (germline): Benign/Likely benign. Review status: criteria provided, multiple submitters, no conflicts (2 of 4 stars). 4 submissions from 4 submitters: Benign (1); Likely benign (2). 1 of the submissions does not count toward it. Last evaluated 2025-09-14.

Conditions:
Familial hypokalemia-hypomagnesemia (GTLMNS). Also called: HYPOMAGNESEMIA-HYPOKALEMIA, PRIMARY RENOTUBULAR, WITH HYPOCALCIURIA; POTASSIUM AND MAGNESIUM DEPLETION; gitelman syndrome. Identifiers: Orphanet 358, MedGen C0268450, MONDO:0009904, OMIM 263800.

Allele frequency attached by ClinVar (database versions not stated): ExAC 0.00021; 1000 Genomes Project 30x 0.00031; 1000 Genomes Project 0.00040; ESP Exome Variant Server 0.00054; gnomAD 0.00062 and 0.00069; TOPMed 0.00076.
gnomAD v4.1: 226 of 1,613,692 alleles (0.014%); highest among the groups gnomAD compares: African/African-American, 0.21%; no homozygotes.

Submissions (4):

Labcorp Genetics (formerly Invitae), Labcorp
Classification: Benign. Last evaluated: 2025-09-14. Review status: criteria provided, single submitter. Criteria: Invitae Variant Classification Sherloc (09022015). Collection method: clinical testing. Allele origin: germline.

Mayo Clinic Laboratories, Mayo Clinic
Classification: Likely benign. Last evaluated: 2025-06-20. Review status: criteria provided, single submitter. Criteria: ACMG Guidelines, 2015. Collection method: clinical testing. Allele origin: germline. Observed: 1 variant allele.
Comment: BP4, BP7

Blueprint Genetics
Classification: Likely benign. Last evaluated: 2024-11-06. Review status: criteria provided, single submitter. Criteria: ACMG Guidelines, 2015. Collection method: clinical testing. Allele origin: germline.

Natera, Inc.
Classification: Uncertain significance for Gitelman syndrome. Last evaluated: 2020-03-10. Review status: no assertion criteria provided. Collection method: clinical testing. Allele origin: germline. Not counted in ClinVar's aggregate classification.

NM_001126108.2(SLC12A3):c.723C>T (p.Thr241=)

Gene: SLC12A3 (solute carrier family 12 member 3; plus strand). Cytogenetic location: 16q13.
Variant type: single nucleotide variant.
Coding change: c.723C>T on transcript NM_001126108.2 (MANE Select); coding-DNA position 723, C replaced by T.
Protein change: p.Thr241=; no amino-acid change (threonine 241 retained).
Molecular consequence: synonymous variant.
Genome position (GRCh38, 1-based): chr16:56,870,217, C>T. VCF-style: chr16-56870217-C-T. GRCh37 (hg19) VCF-style: chr16-56904129-C-T.
Other names: p.Thr241=; c.723C>T, p.Thr241= (NM_000339.3); c.720C>T, p.Thr240= (NM_001126107.2).
Identifiers: ClinVar variation 790164 (VCV000790164.14), dbSNP rs149259406, ClinGen allele CA8069155.